The following is an entry in ClinVar:

ClinVar aggregate classification (germline): Uncertain significance. Review status: criteria provided, multiple submitters, no conflicts (2 of 4 stars). 4 submissions from 4 submitters: Uncertain significance (4). Last evaluated 2025-08-10.

Conditions:
Inborn genetic diseases. Identifiers: MedGen C0950123, MeSH D030342.
Congenital glucose-galactose malabsorption (GGM). Also called: DIARRHEA 16; MONOSACCHARIDE MALABSORPTION. Identifiers: Orphanet 35710, MedGen C0268186, MONDO:0011731, OMIM 606824.

Allele frequency attached by ClinVar (database versions not stated): gnomAD 0.00001; gnomAD exomes 0.00001; TOPMed 0.00002; ExAC 0.00003.
gnomAD v4.1: 41 of 1,614,194 alleles (0.0025%); highest among the groups gnomAD compares: Middle Eastern, 0.049%; no homozygotes.

Submissions (4):

Ambry Genetics
Classification: Uncertain significance for Inborn genetic diseases. Last evaluated: 2025-08-10. Review status: criteria provided, single submitter. Criteria: Ambry Variant Classification Scheme 2023. Collection method: clinical testing. Allele origin: germline.

Labcorp Genetics (formerly Invitae), Labcorp
Classification: Uncertain significance for Congenital glucose-galactose malabsorption. Last evaluated: 2022-07-05. Review status: criteria provided, single submitter. Criteria: Invitae Variant Classification Sherloc (09022015). Collection method: clinical testing. Allele origin: germline.
Comment: This sequence change replaces arginine, which is basic and polar, with tryptophan, which is neutral and slightly polar, at codon 15 of the SLC5A1 protein (p.Arg15Trp). This variant is present in population databases (rs33915717, gnomAD 0.003%). This variant has not been reported in the literature in individuals affected with SLC5A1-related conditions. ClinVar contains an entry for this variant (Variation ID: 1391045). Algorithms developed to predict the effect of missense changes on protein structure and function are either unavailable or do not agree on the potential impact of this missense change (SIFT: "Deleterious"; PolyPhen-2: "Benign"; Align-GVGD: "Class C0"). In summary, the available evidence is currently insufficient to determine the role of this variant in disease. Therefore, it has been classified as a Variant of Uncertain Significance.

Fulgent Genetics
Classification: Uncertain significance for Congenital glucose-galactose malabsorption. Last evaluated: 2022-02-11. Review status: criteria provided, single submitter. Criteria: ACMG Guidelines, 2015. Collection method: clinical testing. Allele origin: unknown.

Breakthrough Genomics
Classification: Uncertain significance. Review status: criteria provided, single submitter. Criteria: ACMG Guidelines, 2015. Collection method: not provided. Allele origin: germline. Inheritance: Autosomal dominant inheritance. Affected: yes.

NM_000343.4(SLC5A1):c.43C>T (p.Arg15Trp)

Gene: SLC5A1 (solute carrier family 5 member 1; plus strand). Cytogenetic location: 22q12.3.
Variant type: single nucleotide variant.
Coding change: c.43C>T on transcript NM_000343.4 (MANE Select); coding-DNA position 43, C replaced by T.
Protein change: p.Arg15Trp; replaces arginine 15 with tryptophan.
Molecular consequence: missense variant.
Genome position (GRCh38, 1-based): chr22:32,043,324, C>T. VCF-style: chr22-32043324-C-T. GRCh37 (hg19) VCF-style: chr22-32439311-C-T.
Other names: c.43C>T (NM_000343.3); short protein forms R15W.
Identifiers: ClinVar variation 1391045 (VCV001391045.6), dbSNP rs33915717, ClinGen allele CA10197819.